The following is an entry in ClinVar:

NM_001886.3(CRYBA4):c.169T>G (p.Phe57Val)

Gene: CRYBA4 (crystallin beta A4; plus strand). Cytogenetic location: 22q12.1.
Variant type: single nucleotide variant.
Coding change: c.169T>G on transcript NM_001886.3 (MANE Select); coding-DNA position 169, T replaced by G.
Protein change: p.Phe57Val; replaces phenylalanine 57 with valine.
Molecular consequence: missense variant.
Genome position (GRCh38, 1-based): chr22:26,625,491, T>G. VCF-style: chr22-26625491-T-G. GRCh37 (hg19) VCF-style: chr22-27021455-T-G.
Other names: short protein forms F57V.
Identifiers: ClinVar variation 964315 (VCV000964315.12), dbSNP rs1929674480, ClinGen allele CA411037936.
Genomic context (GRCh38, chr22:26,625,491, plus strand): 5'-CAGGGTGAGGGGGACGCTTACCTCCTGCACACTCTACCCTCTGTCTGCAGGTGGGTGGGC[T>G]TTGAGCATGCTGGCTTCCAAGGGCAGCAGTACATTCTGGAACGAGGCGAATATCCAAGCT-3'
Protein context (NP_001877.1, residues 47-67): LKVLSGAWVG[Phe57Val]EHAGFQGQQY

ClinVar aggregate classification (germline): Uncertain significance. Review status: criteria provided, multiple submitters, no conflicts (2 of 4 stars). 2 submissions from 2 submitters: Uncertain significance (2). Last evaluated 2022-03-08.

Conditions:
Cataract 23 (CTRCT23). Also called: Cataract 23, multiple types; CATARACT 23, LAMELLAR. Identifiers: Orphanet 91492, MedGen C3808012, MONDO:0012489, OMIM 610425.

Submissions (2):

GeneDx
Classification: Uncertain significance. Last evaluated: 2022-03-08. Review status: criteria provided, single submitter. Criteria: GeneDx Variant Classification Process June 2021. Collection method: clinical testing. Allele origin: germline. Affected: yes.
Comment: Not observed at significant frequency in large population cohorts (gnomAD); In silico analysis supports that this missense variant has a deleterious effect on protein structure/function; Has not been previously published as pathogenic or benign to our knowledge

Labcorp Genetics (formerly Invitae), Labcorp
Classification: Uncertain significance for Cataract 23. Last evaluated: 2019-09-26. Review status: criteria provided, single submitter. Criteria: Invitae Variant Classification Sherloc (09022015). Collection method: clinical testing. Allele origin: germline.
Comment: In summary, the available evidence is currently insufficient to determine the role of this variant in disease. Therefore, it has been classified as a Variant of Uncertain Significance. Algorithms developed to predict the effect of missense changes on protein structure and function are either unavailable or do not agree on the potential impact of this missense change (SIFT: "Deleterious"; PolyPhen-2: "Benign"; Align-GVGD: "Class C0"). This variant has not been reported in the literature in individuals with CRYBA4-related conditions. This variant is not present in population databases (ExAC no frequency). This sequence change replaces phenylalanine with valine at codon 57 of the CRYBA4 protein (p.Phe57Val). The phenylalanine residue is moderately conserved and there is a small physicochemical difference between phenylalanine and valine.